The following is an entry in ClinVar:

NM_144997.7(FLCN):c.202del (p.Ser68fs)

Gene: FLCN (folliculin; minus strand). Cytogenetic location: 17p11.2.
Variant type: Deletion.
Coding change: c.202del on transcript NM_144997.7 (MANE Select); coding-DNA position 202, one base deleted (A; older notation c.202delA).
Protein change: p.Ser68fs; shifts the reading frame from serine 68.
Molecular consequence: frameshift variant.
Genome position (GRCh38, 1-based): chr17:17,227,936, T deleted on the plus strand (A on the coding strand, the reverse complement: FLCN is on the minus strand). VCF-style (leftmost placement, unchanged base first): chr17-17227935-CT-C. GRCh37 (hg19) VCF-style: chr17-17131249-CT-C.
Other names: c.202del, p.Ser68fs (NM_001353229.2, NM_001353230.2, NM_001353231.2 and 1 more transcripts); c.202del (LRG_325t1); short protein forms S68fs.
Identifiers: ClinVar variation 409389 (VCV000409389.6), dbSNP rs1060502370, ClinGen allele CA16615391.

ClinVar aggregate classification (germline): Pathogenic. Review status: criteria provided, multiple submitters, no conflicts (2 of 4 stars). 2 submissions from 2 submitters: Pathogenic (2). Last evaluated 2026-08-11.

Conditions:
Birt-Hogg-Dube syndrome. Also called: Birt Hogg Dubé syndrome. Identifiers: Orphanet 122, MedGen C0346010, MONDO:0800444.
Birt-Hogg-Dube syndrome 1 (BHD1). Also called: FIBROFOLLICULOMAS WITH TRICHODISCOMAS AND ACROCHORDONS. Identifiers: Orphanet 122, MedGen CN375946, MONDO:0800445, OMIM 135150.

Submissions (2):

Myriad Genetics, Inc.
Classification: Pathogenic for Birt-Hogg-Dube syndrome 1. Last evaluated: 2026-08-11. Review status: criteria provided, single submitter. Criteria: Myriad Autosomal Dominant, Autosomal Recessive and X-Linked Classification Criteria (2023). Collection method: clinical testing. Allele origin: unknown.
Comment: This variant is considered pathogenic. This variant creates a frameshift predicted to result in premature protein truncation.

Labcorp Genetics (formerly Invitae), Labcorp
Classification: Pathogenic for Birt-Hogg-Dube syndrome. Last evaluated: 2016-04-09. Review status: criteria provided, single submitter. Criteria: Invitae Variant Classification Sherloc (09022015). Collection method: clinical testing. Allele origin: germline.
Comment: This sequence change deletes 1 nucleotide from exon 4 of the FLCN mRNA (c.202delA), causing a frameshift at codon 68. This creates a premature translational stop signal (p.Ser68Alafs*62) and is expected to result in an absent or disrupted protein product. While this particular variant has not been reported in the literature, truncating variants in FLCN are known to be pathogenic (PMID: 15852235). For these reasons, this variant has been classified as Pathogenic.

Literature cited by the submitters: PubMed 15852235 (cited by Labcorp Genetics (formerly Invitae), Labcorp).